The following is an entry in ClinVar:

NM_000271.5(NPC1):c.756G>C (p.Gln252His)

Gene: NPC1 (NPC intracellular cholesterol transporter 1; minus strand). Cytogenetic location: 18q11.2.
Variant type: single nucleotide variant.
Coding change: c.756G>C on transcript NM_000271.5 (MANE Select); coding-DNA position 756, G replaced by C.
Protein change: p.Gln252His; replaces glutamine 252 with histidine.
Molecular consequence: missense variant.
Genome position (GRCh38, 1-based): chr18:23,560,356, C>G on the plus strand (G>C on the coding strand, the complement: NPC1 is on the minus strand). VCF-style: chr18-23560356-C-G. GRCh37 (hg19) VCF-style: chr18-21140320-C-G.
Other names: c.756G>C (NM_000271.4); short protein forms Q252H.
Identifiers: ClinVar variation 1431914 (VCV001431914.6), dbSNP rs768008295, ClinGen allele CA401781192.

ClinVar aggregate classification (germline): Uncertain significance. Review status: criteria provided, multiple submitters, no conflicts (2 of 4 stars). 2 submissions from 2 submitters: Uncertain significance (2). Last evaluated 2026-07-31.

Conditions:
NPC1-related disorder. Also called: NPC1-related condition.
Niemann-Pick disease, type C1. Also called: NIEMANN-PICK DISEASE, VARIANT TYPE C1; NEUROVISCERAL STORAGE DISEASE WITH VERTICAL SUPRANUCLEAR OPHTHALMOPLEGIA; NIEMANN-PICK DISEASE WITH CHOLESTEROL ESTERIFICATION BLOCK; NIEMANN-PICK DISEASE WITHOUT SPHINGOMYELINASE DEFICIENCY; NIEMANN-PICK DISEASE, CHRONIC NEURONOPATHIC FORM. Identifiers: Orphanet 646, MedGen C3179455, MONDO:0009757, OMIM 257220.

gnomAD v4.1: 2 of 1,614,092 alleles (0.00012%); highest among the groups gnomAD compares: African/African-American, 0.0027%; no homozygotes.

Submissions (2):

PreventionGenetics, part of Exact Sciences
Classification: Uncertain significance for NPC1-related condition. Last evaluated: 2026-07-31. Review status: criteria provided, single submitter. Criteria: ACMG Guidelines, 2015. Collection method: clinical testing. Allele origin: germline.
Comment: The NPC1 c.756G>C variant is predicted to result in the amino acid substitution p.Gln252His. To our knowledge, this variant has not been reported in the literature or in a large population database (gnomAD), indicating this variant is rare. At this time, the clinical significance of this variant is uncertain due to the absence of conclusive functional and genetic evidence.

Labcorp Genetics (formerly Invitae), Labcorp
Classification: Uncertain significance for Niemann-Pick disease, type C1. Last evaluated: 2022-08-31. Review status: criteria provided, single submitter. Criteria: Invitae Variant Classification Sherloc (09022015). Collection method: clinical testing. Allele origin: germline.
Comment: This sequence change replaces glutamine, which is neutral and polar, with histidine, which is basic and polar, at codon 252 of the NPC1 protein (p.Gln252His). This variant is not present in population databases (gnomAD no frequency). This variant has not been reported in the literature in individuals affected with NPC1-related conditions. ClinVar contains an entry for this variant (Variation ID: 1431914). Algorithms developed to predict the effect of missense changes on protein structure and function (SIFT, PolyPhen-2, Align-GVGD) all suggest that this variant is likely to be tolerated. In summary, the available evidence is currently insufficient to determine the role of this variant in disease. Therefore, it has been classified as a Variant of Uncertain Significance.